The following is an entry in ClinVar:

ClinVar aggregate classification (germline): Uncertain significance (1 of 4 stars; one submission).

gnomAD v4.1: 1 of 1,613,756 alleles (0.000062%); no homozygotes.

Submission:

Ambry Genetics
Classification: Uncertain significance. Last evaluated: 2025-06-10. Review status: criteria provided, single submitter. Criteria: Ambry Variant Classification Scheme 2023. Collection method: clinical testing. Allele origin: germline.
Comment: The p.Y622H variant (also known as c.1864T>C), located in coding exon 4 of the TMPO gene, results from a T to C substitution at nucleotide position 1864. The tyrosine at codon 622 is replaced by histidine, an amino acid with similar properties. This amino acid position is conserved. In addition, this alteration is predicted to be tolerated by in silico analysis. Based on the available evidence, the clinical significance of this variant remains unclear.

NM_001032283.3(TMPO):c.565+2283T>C

Gene: TMPO (thymopoietin; plus strand). Cytogenetic location: 12q23.1.
Variant type: single nucleotide variant.
Coding change: c.565+2283T>C on transcript NM_001032283.3 (MANE Select); 2283 bases into the intron after coding-DNA position 565, T replaced by C.
Molecular consequence: intron variant. On other transcripts: missense variant (1).
Genome position (GRCh38, 1-based): chr12:98,534,121, T>C. VCF-style: chr12-98534121-T-C. GRCh37 (hg19) VCF-style: chr12-98927899-T-C.
Other names: c.1864T>C, p.Tyr622His (NM_003276.2); c.565+2283T>C (NM_001307975.2, NM_001032284.3); short protein forms Y622H.
Identifiers: ClinVar variation 3971002 (VCV003971002.1).